The following is an entry in ClinVar:

ClinVar aggregate classification (germline): Uncertain significance (1 of 4 stars; one submission).

Submission:

CeGaT Center for Human Genetics Tuebingen
Classification: Uncertain significance. Last evaluated: 2024-06-01. Review status: criteria provided, single submitter. Criteria: CeGaT Center For Human Genetics Tuebingen Variant Classification Criteria Version 2. Collection method: clinical testing. Allele origin: germline. Affected: yes. Observed: 2 variant alleles.
Comment: CDKL5: PM2, PVS1:Moderate

NM_003159.3(CDKL5):c.3034C>T (p.Gln1012Ter)

Genes: CDKL5 (cyclin dependent kinase like 5; plus strand), RS1 (retinoschisin 1; minus strand). Cytogenetic location: Xp22.13.
Variant type: single nucleotide variant.
Coding change: c.3034C>T on transcript NM_003159.3; coding-DNA position 3034, C replaced by T.
Protein change: p.Gln1012Ter; replaces glutamine 1012 with a stop codon.
Molecular consequence: nonsense. On other transcripts: intron variant (1).
Genome position (GRCh38, 1-based): chrX:18,653,485, C>T. VCF-style: chrX-18653485-C-T. GRCh37 (hg19) VCF-style: chrX-18671605-C-T.
Other names: c.3034C>T, p.Gln1012Ter (NM_001037343.2); c.184+3168G>A (NM_000330.4); short protein forms Q1012*.
Identifiers: ClinVar variation 3026827 (VCV003026827.20), dbSNP rs2518935216, ClinGen allele CA412374537.